The following is an entry in ClinVar:

ClinVar aggregate classification (germline): Uncertain significance. Review status: criteria provided, multiple submitters, no conflicts (2 of 4 stars). 3 submissions from 3 submitters: Uncertain significance (3). Last evaluated 2024-04-24.

Conditions:
Familial adenomatous polyposis 1 (FAP1). Also called: FAMILIAL ADENOMATOUS POLYPOSIS 1, ATTENUATED; POLYPOSIS, ADENOMATOUS INTESTINAL. Identifiers: MedGen C2713442, MONDO:0021056, OMIM 175100. Disease mechanism: loss of function.
Hereditary cancer-predisposing syndrome. Also called: Hereditary neoplastic syndrome; Tumor predisposition; Neoplastic Syndromes, Hereditary; Hereditary Cancer Syndrome. Identifiers: Orphanet 140162, MedGen C0027672, MeSH D009386, MONDO:0015356.

Allele frequency attached by ClinVar (database versions not stated): TOPMed below 0.00001.

Submissions (3):

Ambry Genetics
Classification: Uncertain significance for Hereditary cancer-predisposing syndrome. Last evaluated: 2024-04-24. Review status: criteria provided, single submitter. Criteria: Ambry Variant Classification Scheme 2023. Collection method: clinical testing. Allele origin: germline.
Comment: The p.M522I variant (also known as c.1566G>A), located in coding exon 12 of the APC gene, results from a G to A substitution at nucleotide position 1566. The methionine at codon 522 is replaced by isoleucine, an amino acid with highly similar properties. This amino acid position is highly conserved in available vertebrate species. In addition, in silico predictors for this gene do not accurately predict pathogenicity. Missense alterations in APC are not a common cause of disease (Spier I et al. Genet Med. 2024 Feb;26(2):100992). Based on the available evidence, the clinical significance of this variant remains unclear.

Sema4
Classification: Uncertain significance for Hereditary cancer-predisposing syndrome. Last evaluated: 2021-06-23. Review status: criteria provided, single submitter. Criteria: Sema4 Curation Guidelines. Collection method: curation. Allele origin: germline.
Comment: The APC c.1566G>A (p.M522I) variant has not been reported in the literature to our knowledge. It was not observed in the large and broad cohorts of the Genome Aggregation Database (PMID: 32461654). This variant has not been reported in ClinVar. Functional studies have not been performed, and in silico predictions of the variant's effect on protein function are inconclusive. The evidence is insufficient to meet ACMG/AMP criteria for classifying the variant as benign or pathogenic. Thus, the clinical significance of this variant is currently uncertain.

Labcorp Genetics (formerly Invitae), Labcorp
Classification: Uncertain significance for Familial adenomatous polyposis 1. Last evaluated: 2020-12-03. Review status: criteria provided, single submitter. Criteria: Invitae Variant Classification Sherloc (09022015). Collection method: clinical testing. Allele origin: germline.
Comment: In summary, the available evidence is currently insufficient to determine the role of this variant in disease. Therefore, it has been classified as a Variant of Uncertain Significance. Algorithms developed to predict the effect of missense changes on protein structure and function (SIFT, PolyPhen-2, Align-GVGD) all suggest that this variant is likely to be tolerated, but these predictions have not been confirmed by published functional studies and their clinical significance is uncertain. This variant has not been reported in the literature in individuals with APC-related conditions. This variant is not present in population databases (ExAC no frequency). This sequence change replaces methionine with isoleucine at codon 522 of the APC protein (p.Met522Ile). The methionine residue is highly conserved and there is a small physicochemical difference between methionine and isoleucine.

NM_000038.6(APC):c.1566G>A (p.Met522Ile)

Gene: APC (APC regulator of Wnt signaling pathway; plus strand). Cytogenetic location: 5q22.2.
Variant type: single nucleotide variant.
Coding change: c.1566G>A on transcript NM_000038.6 (MANE Select); coding-DNA position 1566, G replaced by A.
Protein change: p.Met522Ile; replaces methionine 522 with isoleucine.
Molecular consequence: missense variant.
Genome position (GRCh38, 1-based): chr5:112,827,946, G>A. VCF-style: chr5-112827946-G-A. GRCh37 (hg19) VCF-style: chr5-112163643-G-A.
Other names: c.1566G>A, p.Met522Ile (NM_001127510.3, NM_001354895.2); c.1512G>A, p.Met504Ile (NM_001127511.3); c.1620G>A, p.Met540Ile (NM_001354896.2); c.1596G>A, p.Met532Ile (NM_001354897.2); c.1491G>A, p.Met497Ile (NM_001354898.2); c.1482G>A, p.Met494Ile (NM_001354899.2); c.1443G>A, p.Met481Ile (NM_001354900.2); c.1389G>A, p.Met463Ile (NM_001354901.2); and 6 more; short protein forms M396I, M421I, M239I, M481I, M532I, M540I, M431I, M463I.
Identifiers: ClinVar variation 1505401 (VCV001505401.11), dbSNP rs1763872461, ClinGen allele CA16024726.
Genomic context (GRCh38, chr5:112,827,946, plus strand): 5'-AGTTGTCTTTTTAATGATCCTCTATTCTGTATTTAATTTACAGGCTACGCTATGCTCTAT[G>A]AAAGGCTGCATGAGAGCACTTGTGGCCCAACTAAAATCTGAAAGTGAAGACTTACAGCAG-3'
Protein context (NP_000029.2, residues 512-532): DVANKATLCS[Met522Ile]KGCMRALVAQ